The following is an entry in ClinVar:

NM_000552.5(VWF):c.3379+7A>C

Gene: VWF (von Willebrand factor; minus strand). Cytogenetic location: 12p13.31.
Variant type: single nucleotide variant.
Coding change: c.3379+7A>C on transcript NM_000552.5 (MANE Select); 7 bases into the intron after coding-DNA position 3379, A replaced by C.
Molecular consequence: intron variant.
Genome position (GRCh38, 1-based): chr12:6,023,624, T>G on the plus strand (A>C on the coding strand, the complement: VWF is on the minus strand). VCF-style: chr12-6023624-T-G. GRCh37 (hg19) VCF-style: chr12-6132790-T-G.
Other names: p.?; c.3379+7A>C (NM_000552.4).
Identifiers: ClinVar variation 256666 (VCV000256666.20), dbSNP rs113446850, ClinGen allele CA6402765.
Genomic context (GRCh38, chr12:6,023,624, plus strand): 5'-GGTCTTCAAGCATAGACACATGGGAAGAAGGGAGGGCATCTGAGAACATGAGGGCGTCAG[T>G]ACTCACGGCACAATGTGGCCGTCCTCCAGGTCACCACCTTGCCATGCTGGGCACACACGT-3'

ClinVar aggregate classification (germline): Benign. Review status: criteria provided, multiple submitters, no conflicts (2 of 4 stars). 9 submissions from 7 submitters: Benign (9). Last evaluated 2022-04-28.

Conditions:
Hereditary von Willebrand disease. Identifiers: Orphanet 903, MedGen C5703318, MONDO:0019565. Inheritance: Autosomal recessive or Autosomal dominant.
von Willebrand disease type 2 (VWD2). Also called: VON WILLEBRAND DISEASE, TYPE II; VWD, TYPE 2; VON WILLEBRAND DISEASE, TYPE 2A/IIE; VON WILLEBRAND DISEASE, TYPE 2CB. Identifiers: Orphanet 166081, Orphanet 903, MedGen C1264040, MONDO:0013304, OMIM 613554.
von Willebrand disease type 3 (VWD3). Also called: Type 3 Von Willebrand's disease; Type 3 VWD; Von Willebrand disease, severe form; V WD3; VON WILLEBRAND DISEASE, TYPE III. Identifiers: Orphanet 166096, MedGen C1264041, MONDO:0010191, OMIM 277480.
von Willebrand disease type 1 (VWD1). Also called: VON WILLEBRAND DISEASE, TYPE I; VWD, TYPE 1. Identifiers: Orphanet 166078, Orphanet 903, MedGen C1264039, MONDO:0008668, OMIM 193400. Inheritance: autosomal recessive or autosomal dominant.

Allele frequency attached by ClinVar (database versions not stated): gnomAD exomes 0.00898 and 0.02344; ExAC 0.02934; gnomAD 0.09001 and 0.09700; TOPMed 0.10261; 1000 Genomes Project 0.10343; ESP Exome Variant Server 0.10380; 1000 Genomes Project 30x 0.11165.
gnomAD v4.1: 27,474 of 1,613,554 alleles (1.7%); highest among the groups gnomAD compares: African/African-American, 31%; 3,816 homozygotes.

Submissions (9):

Quest Diagnostics Nichols Institute San Juan Capistrano
Classification: Benign. Last evaluated: 2022-04-28. Review status: criteria provided, single submitter. Criteria: Quest Diagnostics criteria. Collection method: clinical testing. Allele origin: unknown.

Genome-Nilou Lab
Classification: Benign for von Willebrand disease type 1. Last evaluated: 2021-12-05. Review status: criteria provided, single submitter. Criteria: ACMG Guidelines, 2015. Collection method: clinical testing. Allele origin: germline. Affected: no.

Genome-Nilou Lab
Classification: Benign for von Willebrand disease type 3. Last evaluated: 2021-12-05. Review status: criteria provided, single submitter. Criteria: ACMG Guidelines, 2015. Collection method: clinical testing. Allele origin: germline. Affected: no.

Genome-Nilou Lab
Classification: Benign for von Willebrand disease type 2. Last evaluated: 2021-12-05. Review status: criteria provided, single submitter. Criteria: ACMG Guidelines, 2015. Collection method: clinical testing. Allele origin: germline. Affected: no.

Mayo Clinic Laboratories, Mayo Clinic
Classification: Benign. Last evaluated: 2021-09-24. Review status: criteria provided, single submitter. Criteria: ACMG Guidelines, 2015. Collection method: clinical testing. Allele origin: germline. Observed: 37 variant alleles.

ARUP Laboratories, Molecular Genetics and Genomics, ARUP Laboratories
Classification: Benign. Last evaluated: 2020-05-22. Review status: criteria provided, single submitter. Criteria: ARUP Molecular Germline Variant Investigation Process. Collection method: clinical testing. Allele origin: germline.

Illumina Laboratory Services, Illumina
Classification: Benign for von Willebrand disorder. Last evaluated: 2018-01-13. Review status: criteria provided, single submitter. Criteria: ICSL Variant Classification Criteria 13 December 2019. Collection method: clinical testing. Allele origin: germline.
Comment: This variant was observed in the ICSL laboratory as part of a predisposition screen in an ostensibly healthy population. It had not been previously curated by ICSL or reported in the Human Gene Mutation Database (HGMD: prior to June 1st, 2018), and was therefore a candidate for classification through an automated scoring system. Utilizing variant allele frequency, disease prevalence and penetrance estimates, and inheritance mode, an automated score was calculated to assess if this variant is too frequent to cause the disease. Based on the score and internal cut-off values, a variant classified as benign is not then subjected to further curation. The score for this variant resulted in a classification of benign for this disease.

Breakthrough Genomics
Classification: Benign. Review status: criteria provided, single submitter. Criteria: ACMG Guidelines, 2015. Collection method: not provided. Allele origin: germline. Inheritance: Autosomal recessive inheritance. Affected: yes.

PreventionGenetics, part of Exact Sciences
Classification: Benign. Review status: criteria provided, single submitter. Criteria: ACMG Guidelines, 2015. Collection method: clinical testing. Allele origin: germline.